The following is an entry in ClinVar:

ClinVar aggregate classification (germline): Uncertain significance (1 of 4 stars; one submission).

Conditions:
Charcot-Marie-Tooth disease dominant intermediate C (CMTDIC). Also called: CHARCOT-MARIE-TOOTH NEUROPATHY, DOMINANT INTERMEDIATE C. Identifiers: Orphanet 100045, MedGen C1842237, MONDO:0012012, OMIM 608323.

Submission:

Labcorp Genetics (formerly Invitae), Labcorp
Classification: Uncertain significance for Charcot-Marie-Tooth disease dominant intermediate C. Last evaluated: 2023-02-26. Review status: criteria provided, single submitter. Criteria: Invitae Variant Classification Sherloc (09022015). Collection method: clinical testing. Allele origin: germline.
Comment: This sequence change replaces lysine, which is basic and polar, with glutamic acid, which is acidic and polar, at codon 26 of the YARS protein (p.Lys26Glu). In summary, the available evidence is currently insufficient to determine the role of this variant in disease. Therefore, it has been classified as a Variant of Uncertain Significance. Advanced modeling of protein sequence and biophysical properties (such as structural, functional, and spatial information, amino acid conservation, physicochemical variation, residue mobility, and thermodynamic stability) performed at Invitae indicates that this missense variant is not expected to disrupt YARS protein function. This variant has not been reported in the literature in individuals affected with YARS-related conditions. This variant is not present in population databases (gnomAD no frequency).

NM_003680.4(YARS1):c.76A>G (p.Lys26Glu)

Gene: YARS1 (tyrosyl-tRNA synthetase 1; minus strand). Cytogenetic location: 1p35.1.
Variant type: single nucleotide variant.
Coding change: c.76A>G on transcript NM_003680.4 (MANE Select); coding-DNA position 76, A replaced by G.
Protein change: p.Lys26Glu; replaces lysine 26 with glutamic acid.
Molecular consequence: missense variant.
Genome position (GRCh38, 1-based): chr1:32,811,039, T>C on the plus strand (A>G on the coding strand, the complement: YARS1 is on the minus strand). VCF-style: chr1-32811039-T-C. GRCh37 (hg19) VCF-style: chr1-33276640-T-C.
Other names: short protein forms K26E.
Identifiers: ClinVar variation 2770637 (VCV002770637.3), dbSNP rs2523437392, ClinGen allele CA339688095.